The following is an entry in ClinVar:

NM_000455.5(STK11):c.1259C>T (p.Ala420Val)

Gene: STK11 (serine/threonine kinase 11; plus strand). Cytogenetic location: 19p13.3.
Variant type: single nucleotide variant.
Coding change: c.1259C>T on transcript NM_000455.5 (MANE Select); coding-DNA position 1259, C replaced by T.
Protein change: p.Ala420Val; replaces alanine 420 with valine.
Molecular consequence: missense variant.
Genome position (GRCh38, 1-based): chr19:1,226,604, C>T. VCF-style: chr19-1226604-C-T. GRCh37 (hg19) VCF-style: chr19-1226603-C-T.
Other names: short protein forms A420V.
Identifiers: ClinVar variation 184047 (VCV000184047.27), dbSNP rs369033659, ClinGen allele CA022562.

ClinVar aggregate classification (germline): Conflicting classifications of pathogenicity. Review status: criteria provided, conflicting classifications (1 of 4 stars). 8 submissions from 8 submitters: Uncertain significance (5); Benign (1); Likely benign (2). Last evaluated 2026-07-09.

Conditions:
STK11-related disorder. Also called: STK11-related condition.
Hereditary cancer-predisposing syndrome. Also called: Neoplastic Syndromes, Hereditary; Tumor predisposition; Hereditary neoplastic syndrome; Hereditary Cancer Syndrome. Identifiers: Orphanet 140162, MedGen C0027672, MeSH D009386, MONDO:0015356.
Peutz-Jeghers syndrome (PJS). Also called: Peutz-Jeghers polyposis; Periorificial lentiginosis syndrome; POLYPOSIS, HAMARTOMATOUS INTESTINAL; POLYPS-AND-SPOTS SYNDROME. Identifiers: Orphanet 2869, MedGen C0031269, MeSH D010580, MONDO:0008280, OMIM 175200.

Allele frequency attached by ClinVar (database versions not stated): ExAC below 0.00001; gnomAD exomes below 0.00001 and 0.00001; ESP Exome Variant Server 0.00009.
gnomAD v4.1: 9 of 1,562,910 alleles (0.00058%); highest among the groups gnomAD compares: Non-Finnish European, 0.00052%; no homozygotes.

Submissions (8):

PreventionGenetics, part of Exact Sciences
Classification: Likely benign for STK11-related condition. Last evaluated: 2026-07-09. Review status: criteria provided, single submitter. Criteria: ACMG Guidelines, 2015. Collection method: clinical testing. Allele origin: germline.
Comment: This variant is classified as likely benign based on ACMG/AMP sequence variant interpretation guidelines (Richards et al. 2015 PMID: 25741868, with internal and published modifications).

Labcorp Genetics (formerly Invitae), Labcorp
Classification: Benign for Peutz-Jeghers syndrome. Last evaluated: 2025-11-25. Review status: criteria provided, single submitter. Criteria: Invitae Variant Classification Sherloc (09022015). Collection method: clinical testing. Allele origin: germline.

Molecular Pathology, Peter Maccallum Cancer Centre
Classification: Uncertain significance for Peutz-Jeghers syndrome. Last evaluated: 2025-05-23. Review status: criteria provided, single submitter. Criteria: ACMG Guidelines, 2015. Collection method: clinical testing. Allele origin: germline. Inheritance: Autosomal dominant inheritance.

Color Diagnostics, LLC DBA Color Health
Classification: Uncertain significance for Hereditary cancer-predisposing syndrome. Last evaluated: 2024-06-04. Review status: criteria provided, single submitter. Criteria: ACMG Guidelines, 2015. Collection method: clinical testing. Allele origin: germline.
Comment: This missense variant replaces alanine with valine at codon 420 of the STK11 protein. Computational prediction suggests that this variant may not impact protein structure and function. To our knowledge, functional studies have not been reported for this variant. This variant has not been reported in individuals affected with STK11-related disorders in the literature. This variant has been identified in 1/162716 chromosomes in the general population by the Genome Aggregation Database (gnomAD). The available evidence is insufficient to determine the role of this variant in disease conclusively. Therefore, this variant is classified as a Variant of Uncertain Significance.

GeneDx
Classification: Uncertain significance. Last evaluated: 2023-05-10. Review status: criteria provided, single submitter. Criteria: GeneDx Variant Classification Process June 2021. Collection method: clinical testing. Allele origin: germline. Affected: yes.
Comment: Not observed at significant frequency in large population cohorts (gnomAD); In silico analysis supports that this missense variant does not alter protein structure/function; Has not been previously published as pathogenic or benign to our knowledge; This variant is associated with the following publications: (PMID: 28900777, 19145097)

Ambry Genetics
Classification: Likely benign for Hereditary cancer-predisposing syndrome. Last evaluated: 2023-03-02. Review status: criteria provided, single submitter. Criteria: Ambry Variant Classification Scheme 2023. Collection method: clinical testing. Allele origin: germline.

Genome-Nilou Lab
Classification: Uncertain significance for Peutz-Jeghers syndrome. Last evaluated: 2021-07-15. Review status: criteria provided, single submitter. Criteria: ACMG Guidelines, 2015. Collection method: clinical testing. Allele origin: germline. Affected: no.

Quest Diagnostics Nichols Institute San Juan Capistrano
Classification: Uncertain significance. Last evaluated: 2018-03-23. Review status: criteria provided, single submitter. Criteria: Quest Diagnostics criteria. Collection method: clinical testing. Allele origin: germline.

Literature cited by the submitters: PubMed 19145097 (cited by Ambry Genetics).